The following is an entry in ClinVar:

NM_053025.4(MYLK):c.2697C>A (p.Asp899Glu)

Gene: MYLK (myosin light chain kinase; minus strand). Cytogenetic location: 3q21.1.
Variant type: single nucleotide variant.
Coding change: c.2697C>A on transcript NM_053025.4 (MANE Select); coding-DNA position 2697, C replaced by A.
Protein change: p.Asp899Glu; replaces aspartic acid 899 with glutamic acid.
Molecular consequence: missense variant.
Genome position (GRCh38, 1-based): chr3:123,700,771, G>T on the plus strand (C>A on the coding strand, the complement: MYLK is on the minus strand). VCF-style: chr3-123700771-G-T. GRCh37 (hg19) VCF-style: chr3-123419618-G-T.
Other names: c.2169C>A, p.Asp723Glu (NM_001321309.2); c.2490C>A, p.Asp830Glu (NM_053026.4, NM_053028.4); c.2697C>A, p.Asp899Glu (NM_053027.4); short protein forms D723E, D830E, D899E.
Identifiers: ClinVar variation 2452966 (VCV002452966.3), dbSNP rs1198046566, ClinGen allele CA354231860.

ClinVar aggregate classification (germline): Uncertain significance. Review status: criteria provided, multiple submitters, no conflicts (2 of 4 stars). 2 submissions from 2 submitters: Uncertain significance (2). Last evaluated 2024-03-09.

Conditions:
Aortic aneurysm, familial thoracic 7 (AAT7). Also called: AORTIC DISSECTION, FAMILIAL, WITH OR WITHOUT AORTIC ANEURYSM. Identifiers: MedGen C3151077, MONDO:0013418, OMIM 613780.
Familial thoracic aortic aneurysm and aortic dissection (TAAD). Also called: Thoracic aortic aneurysms and dissections. Identifiers: Orphanet 91387, MedGen C4707243, MONDO:0019625.

gnomAD v4.1: 8 of 1,614,204 alleles (0.0005%); highest among the groups gnomAD compares: South Asian, 0.0066%; no homozygotes.

Submissions (2):

Labcorp Genetics (formerly Invitae), Labcorp
Classification: Uncertain significance for Aortic aneurysm, familial thoracic 7. Last evaluated: 2024-03-09. Review status: criteria provided, single submitter. Criteria: Invitae Variant Classification Sherloc (09022015). Collection method: clinical testing. Allele origin: germline.
Comment: This sequence change replaces aspartic acid, which is acidic and polar, with glutamic acid, which is acidic and polar, at codon 899 of the MYLK protein (p.Asp899Glu). This variant is present in population databases (no rsID available, gnomAD 0.006%). This missense change has been observed in individual(s) with clinical features of MYLK-related conditions (Invitae). ClinVar contains an entry for this variant (Variation ID: 2452966). Advanced modeling of protein sequence and biophysical properties (such as structural, functional, and spatial information, amino acid conservation, physicochemical variation, residue mobility, and thermodynamic stability) performed at Invitae indicates that this missense variant is not expected to disrupt MYLK protein function with a negative predictive value of 80%. In summary, the available evidence is currently insufficient to determine the role of this variant in disease. Therefore, it has been classified as a Variant of Uncertain Significance.

Ambry Genetics
Classification: Uncertain significance for Familial thoracic aortic aneurysm and aortic dissection. Last evaluated: 2023-03-13. Review status: criteria provided, single submitter. Criteria: Ambry Variant Classification Scheme 2023. Collection method: clinical testing. Allele origin: germline.
Comment: The p.D899E variant (also known as c.2697C>A), located in coding exon 15 of the MYLK gene, results from a C to A substitution at nucleotide position 2697. The aspartic acid at codon 899 is replaced by glutamic acid, an amino acid with highly similar properties. This amino acid position is conserved. In addition, this alteration is predicted to be tolerated by in silico analysis. Since supporting evidence is limited at this time, the clinical significance of this alteration remains unclear.